The following is an entry in ClinVar:

NM_001211.6(BUB1B):c.724A>G (p.Ile242Val)

Gene: BUB1B (BUB1 mitotic checkpoint serine/threonine kinase B; plus strand). Cytogenetic location: 15q15.1.
Variant type: single nucleotide variant.
Coding change: c.724A>G on transcript NM_001211.6 (MANE Select); coding-DNA position 724, A replaced by G.
Protein change: p.Ile242Val; replaces isoleucine 242 with valine.
Molecular consequence: missense variant.
Genome position (GRCh38, 1-based): chr15:40,183,856, A>G. VCF-style: chr15-40183856-A-G. GRCh37 (hg19) VCF-style: chr15-40476057-A-G.
Other names: short protein forms I242V.
Identifiers: ClinVar variation 1757898 (VCV001757898.2), dbSNP rs1249369516, ClinGen allele CA391683475.
Genomic context (GRCh38, chr15:40,183,856, plus strand): 5'-CCACAACGAAGCACACTAGCTGAACTAAAGAGCAAAGGGAAAAAGACAGCAAGAGCTCCA[A>G]TCATCCGTGTAGGAGGTGCTCTCAAGGGTAAGTTTGTTAAACGTTATTTCGGAAAACTGT-3'
Protein context (NP_001202.5, residues 232-252): SKGKKTARAP[Ile242Val]IRVGGALKAP

ClinVar aggregate classification (germline): Uncertain significance (1 of 4 stars; one submission).

Conditions:
Inborn genetic diseases. Identifiers: MedGen C0950123, MeSH D030342.

Allele frequency attached by ClinVar (database versions not stated): TOPMed below 0.00001; gnomAD 0.00001; gnomAD exomes 0.00001.
gnomAD v4.1: 16 of 1,614,014 alleles (0.00099%); highest among the groups gnomAD compares: Middle Eastern, 0.016%; no homozygotes.

Submission:

Ambry Genetics
Classification: Uncertain significance for Inborn genetic diseases. Last evaluated: 2023-09-27. Review status: criteria provided, single submitter. Criteria: Ambry Variant Classification Scheme 2023. Collection method: clinical testing. Allele origin: germline.
Comment: The p.I242V variant (also known as c.724A>G), located in coding exon 6 of the BUB1B gene, results from an A to G substitution at nucleotide position 724. The isoleucine at codon 242 is replaced by valine, an amino acid with highly similar properties. This amino acid position is conserved. In addition, this alteration is predicted to be tolerated by in silico analysis. Since supporting evidence is limited at this time, the clinical significance of this alteration remains unclear.